The following is an entry in ClinVar:

ClinVar aggregate classification (germline): Likely pathogenic (1 of 4 stars; one submission).

Submission:

GeneDx
Classification: Likely pathogenic. Last evaluated: 2016-10-24. Review status: criteria provided, single submitter. Criteria: GeneDx Variant Classification (06012015). Collection method: clinical testing. Allele origin: germline. Affected: yes.
Comment: The K89R variant has not been published as a pathogenic variant, nor has it been reported as a benign variant to our knowledge. It was not observed in approximately 6,500 individuals of European and African American ancestry in the NHLBI Exome Sequencing Project, indicating it is not a common benign variant in these populations. The K89R variant is a conservative amino acid substitution, which is not likely to impact secondary protein structure as these residues share similar properties. However, this substitution occurs at a position that is conserved across species, and in silico analysis predicts the K89R variant is probably damaging to the protein structure/function. Therefore, this variant is likely pathogenic.

NM_002074.5(GNB1):c.266A>G (p.Lys89Arg)

Gene: GNB1 (G protein subunit beta 1; minus strand). Cytogenetic location: 1p36.33.
Variant type: single nucleotide variant.
Coding change: c.266A>G on transcript NM_002074.5 (MANE Select); coding-DNA position 266, A replaced by G.
Protein change: p.Lys89Arg; replaces lysine 89 with arginine.
Molecular consequence: missense variant. On other transcripts: 5 prime UTR variant (1).
Genome position (GRCh38, 1-based): chr1:1,806,476, T>C on the plus strand (A>G on the coding strand, the complement: GNB1 is on the minus strand). VCF-style: chr1-1806476-T-C. GRCh37 (hg19) VCF-style: chr1-1737915-T-C.
Other names: c.-35A>G (NM_001282538.2); c.266A>G, p.Lys89Arg (NM_001282539.2); short protein forms K89R.
Identifiers: ClinVar variation 422536 (VCV000422536.2), dbSNP rs1064795844, ClinGen allele CA16617026.